The following is an entry in ClinVar:

ClinVar aggregate classification (germline): Uncertain significance (1 of 4 stars; one submission).

Conditions:
Leigh syndrome (NULS). Also called: Leigh's necrotizing encephalopathy; Leigh's disease; Leigh Syndrome (mtDNA deletion); Leigh Disease; Subacute necrotizing encephalopathy; Necrotizing encephalopathy infantile subacute of Leigh. Identifiers: Orphanet 506, MedGen C2931891, MONDO:0009723, OMIM 256000.

Submission:

Wong Mito Lab, Molecular and Human Genetics, Baylor College of Medicine
Classification: Uncertain significance for Leigh syndrome. Last evaluated: 2019-10-17. Review status: criteria provided, single submitter. Criteria: Modified ACMG Guidelines (Unpublished). Collection method: clinical testing. Allele origin: germline.
Comment: The NC_012920.1:m.13522A>G (YP_003024036.1:p.Ile396Val) variant in MTND5 gene is interpretated to be a Uncertain Significance variant based on the modified ACMG guidelines (unpublished). This variant meets the following evidence codes: PP7

NC_012920.1(MT-ND5):m.13522A>G

Gene: MT-ND5 (mitochondrially encoded NADH dehydrogenase 5; plus strand).
Variant type: single nucleotide variant.
Genome position: chrM-13522-A-G.
Identifiers: ClinVar variation 693566 (VCV000693566.1), dbSNP rs1603224217, ClinGen allele CA414818360.